The following is an entry in ClinVar:

ClinVar aggregate classification (germline): Likely benign (1 of 4 stars; one submission).

Submission:

CeGaT Center for Human Genetics Tuebingen
Classification: Likely benign. Last evaluated: 2024-10-01. Review status: criteria provided, single submitter. Criteria: CeGaT Center For Human Genetics Tuebingen Variant Classification Criteria Version 2. Collection method: clinical testing. Allele origin: germline. Affected: yes. Observed: 1 variant allele.
Comment: OR1S2: BP4, BP7

NM_001004459.2(OR1S2):c.168C>T (p.His56=)

Gene: OR1S2 (olfactory receptor family 1 subfamily S member 2; minus strand). Cytogenetic location: 11q12.1.
Variant type: single nucleotide variant.
Coding change: c.168C>T on transcript NM_001004459.2 (MANE Select); coding-DNA position 168, C replaced by T.
Protein change: p.His56=; no amino-acid change (histidine 56 retained).
Molecular consequence: synonymous variant.
Genome position (GRCh38, 1-based): chr11:58,203,975, G>A on the plus strand (C>T on the coding strand, the complement: OR1S2 is on the minus strand). VCF-style: chr11-58203975-G-A. GRCh37 (hg19) VCF-style: chr11-57971447-G-A.
Identifiers: ClinVar variation 3389130 (VCV003389130.14).